The following is an entry in ClinVar:

ClinVar aggregate classification (germline): Uncertain significance (1 of 4 stars; one submission).

Conditions:
Heterotaxy, visceral, 4, autosomal (HTX4). Identifiers: Orphanet 450, MedGen C3151057, MONDO:0013403, OMIM 613751.

Submission:

Labcorp Genetics (formerly Invitae), Labcorp
Classification: Uncertain significance for Heterotaxy, visceral, 4, autosomal. Last evaluated: 2019-02-04. Review status: criteria provided, single submitter. Criteria: Invitae Variant Classification Sherloc (09022015). Collection method: clinical testing. Allele origin: germline.
Comment: This variant has not been reported in the literature in individuals with ACVR2B-related conditions. This variant is not present in population databases (ExAC no frequency). This sequence change replaces valine with leucine at codon 185 of the ACVR2B protein (p.Val185Leu). The valine residue is highly conserved and there is a small physicochemical difference between valine and leucine. In summary, the available evidence is currently insufficient to determine the role of this variant in disease. Therefore, it has been classified as a Variant of Uncertain Significance. Algorithms developed to predict the effect of missense changes on protein structure and function (SIFT, PolyPhen-2, Align-GVGD) all suggest that this variant is likely to be tolerated, but these predictions have not been confirmed by published functional studies and their clinical significance is uncertain.

NM_001106.4(ACVR2B):c.553G>C (p.Val185Leu)

Gene: ACVR2B (activin A receptor type 2B; plus strand). Cytogenetic location: 3p22.2.
Variant type: single nucleotide variant.
Coding change: c.553G>C on transcript NM_001106.4 (MANE Select); coding-DNA position 553, G replaced by C.
Protein change: p.Val185Leu; replaces valine 185 with leucine.
Molecular consequence: missense variant.
Genome position (GRCh38, 1-based): chr3:38,478,405, G>C. VCF-style: chr3-38478405-G-C. GRCh37 (hg19) VCF-style: chr3-38519896-G-C.
Other names: short protein forms V185L.
Identifiers: ClinVar variation 850088 (VCV000850088.6), dbSNP rs1279855513, ClinGen allele CA352130173.